The following is an entry in ClinVar:

ClinVar aggregate classification (germline): Likely pathogenic (1 of 4 stars; one submission).

gnomAD v4.1: 2 of 1,611,424 alleles (0.00012%); highest among the groups gnomAD compares: Admixed American, 0.0017%; no homozygotes.

Submission:

Labcorp Genetics (formerly Invitae), Labcorp
Classification: Likely pathogenic. Last evaluated: 2025-11-18. Review status: criteria provided, single submitter. Criteria: Invitae Variant Classification Sherloc (09022015). Collection method: clinical testing. Allele origin: germline.
Comment: This sequence change affects a donor splice site in intron 21 of the MYO5B gene. It is expected to disrupt RNA splicing. Variants that disrupt the donor or acceptor splice site typically lead to a loss of protein function (PMID: 16199547), and loss-of-function variants in MYO5B are known to be pathogenic (PMID: 18724368, 20186687). The frequency data for this variant in the population databases is considered unreliable, as metrics indicate poor data quality at this position in the gnomAD database. This variant has not been reported in the literature in individuals affected with MYO5B-related conditions. ClinVar contains an entry for this variant (Variation ID: 3605965). Algorithms developed to predict the effect of sequence changes on RNA splicing suggest that this variant may disrupt the consensus splice site. In summary, the currently available evidence indicates that the variant is pathogenic, but additional data are needed to prove that conclusively. Therefore, this variant has been classified as Likely Pathogenic.

Literature cited by the submitters: PubMed 16199547; PubMed 18724368; PubMed 20186687.

NM_001080467.3(MYO5B):c.2811+2T>C

Gene: MYO5B (myosin VB; minus strand). Cytogenetic location: 18q21.1.
Variant type: single nucleotide variant.
Coding change: c.2811+2T>C on transcript NM_001080467.3 (MANE Select); the canonical splice donor site of the intron after coding-DNA position 2811, T replaced by C.
Molecular consequence: splice donor variant.
Genome position (GRCh38, 1-based): chr18:49,902,592, A>G on the plus strand (T>C on the coding strand, the complement: MYO5B is on the minus strand). VCF-style: chr18-49902592-A-G. GRCh37 (hg19) VCF-style: chr18-47428962-A-G.
Identifiers: ClinVar variation 3605965 (VCV003605965.2).